The following continues an entry in ClinVar:

NM_000431.4(MVK):c.1129G>A (p.Val377Ile)

Gene: MVK. ClinVar aggregate classification (germline): Pathogenic/Likely pathogenic. Pathogenic (41); Likely pathogenic (5).

Submissions 42 to 53 of 54:

Laboratory for Molecular Medicine, Mass General Brigham Personalized Medicine
Classification: Pathogenic for Hyperimmunoglobulin D with periodic fever. Last evaluated: 2016-05-28. Review status: criteria provided, single submitter. Criteria: LMM Criteria. Collection method: clinical testing. Allele origin: germline. Inheritance: Autosomal recessive inheritance. Observed: 1 variant allele.
Comment: The p.Val377Ile variant in MVK has been identified in 0.14% (170/120,578) of chr omosomes by the Exome Aggregation Consortium (ExAC, rg; dbSNP rs28934897). This variant is the most frequent pathogenic variant in Hyperimmunoglobulinaemia D and periodic fever syndrome (HIDS) (Houten 1999, Cuis set 2001, Houten 2003). It has been demonstrated to lead to reduced enzymatic ac tivity in vitro (Houten 1999). In summary, this variant meets our criteria to be classified as pathogenic for hyperimmunoglobulinemia D syndrome (HIDS) in an au tosomal recessive manner, based on biallelic observations in patients and functi onal evidence.

Knight Diagnostic Laboratories, Oregon Health and Sciences University
Classification: Pathogenic for Hyperimmunoglobulin D with periodic fever. Last evaluated: 2016-03-30. Review status: criteria provided, single submitter. Criteria: ACMG Guidelines, 2015. Collection method: clinical testing. Allele origin: germline. Affected: no. Study: CSER-NextGen.
Comment: The c.1129G>A (p.Val377Ile) missense variant in the MVK gene is a known common variant that has been previously reported in numerous individuals affected with Hyper IgD Syndrome (Houten et al., 1999; Houten et al., 2003; Mandey et al., 2006; GenÃ§pÄ±nar et al., 2012; Cantarini et al., 2013; Levy et al., 2013; Shendi et al., 2014; Moussa et al., 2015).This variant has also been reported in trans with other known pathogenic variants (His20Pro, Ile1268Thr, Lys13Aspfs*66, Pro167Leu) (Houten et al.,1999; GenÃ§pÄ±nar et al., 2012). Functional studies have shown reduced or undetectable mevalonate kinase activity and protein expression in affected individuals, indicating this variant likely affects protein stability and function (Houten et al., 1999). This variant is reported at low frequency in the population databases (Exome Sequencing Project = 0.221%; 1000 Genomes = NA; and ExAC = 0.196%). A reputable clinical diagnostic laboratory (Baylor Miraca Genetics Laboratories) has classified this variant as Pathogenic. Therefore, this collective evidence supports the classification of the c.1129G>A (p.Val377Ile) as a recessive Pathogenic variant for Hyper IgD Syndrome. We have confirmed this finding in our laboratory using Sanger sequencing.

Baylor Genetics
Classification: Pathogenic for Hyperimmunoglobulin D with periodic fever; Mevalonic aciduria. Last evaluated: 2015-07-01. Review status: criteria provided, single submitter. Criteria: Yang et al. 2013. Collection method: clinical testing. Allele origin: paternal, germline. Inheritance: Autosomal recessive inheritance. Affected: yes. Observed: 24 variant alleles, 23 heterozygotes, 1 compound heterozygote. Study: Adult_WES.
Comment: Variant pathogenic in recessive state; heterozygotes are carriers.

Juno Genomics, Hangzhou Juno Genomics, Inc
Classification: Pathogenic for Hyperimmunoglobulin D with periodic fever; Mevalonic aciduria; Porokeratosis 3, disseminated superficial actinic type. Review status: criteria provided, single submitter. Criteria: ACMG Guidelines, 2015. Collection method: clinical testing. Allele origin: germline.
Comment: Well-established in vitro or in vivo functional studies supportive of a damaging effect on the gene or gene product.;For recessive disorders, detected in trans with a pathogenic variant.;Patient's phenotype or family history is highly specific for a disease with a single genetic etiology.

Kariminejad - Najmabadi Pathology & Genetics Center
Classification: Likely pathogenic for Hyperimmunoglobulin D with periodic fever. Review status: criteria provided, single submitter. Criteria: ACMG Guidelines, 2015. Collection method: clinical testing. Allele origin: germline. Affected: no.

Clinic of Clinical Immunology with Stem Cell Bank, Expert Centre for Rare Diseases - PID, University Hospital "Alexandrovska"
Classification: Pathogenic for Hyperimmunoglobulin D with periodic fever. Last evaluated: 2022-05-01. Review status: no assertion criteria provided. Collection method: clinical testing. Allele origin: germline. Affected: yes. Not counted in ClinVar's aggregate classification.

OMIM
Classification: Pathogenic for HYPER-IgD SYNDROME. Last evaluated: 2013-09-01. Review status: no assertion criteria provided. Collection method: literature only. Allele origin: germline. Not counted in ClinVar's aggregate classification.

Clinical Genetics DNA and cytogenetics Diagnostics Lab, Erasmus MC, Erasmus Medical Center
Classification: Pathogenic. Review status: no assertion criteria provided. Collection method: clinical testing. Allele origin: germline. Affected: yes. Study: VKGL Data-share Consensus. Not counted in ClinVar's aggregate classification.

Clinical Genetics, Academic Medical Center
Classification: Pathogenic. Review status: no assertion criteria provided. Collection method: clinical testing. Allele origin: germline. Affected: yes. Study: VKGL Data-share Consensus. Not counted in ClinVar's aggregate classification.

Department of Pathology and Laboratory Medicine, Sinai Health System
Classification: Pathogenic. Review status: no assertion criteria provided. Collection method: clinical testing. Allele origin: unknown. Affected: yes. Study: The Canadian Open Genetics Repository (COGR). Not counted in ClinVar's aggregate classification.
Comment: The MVK p.Val325Ile variant was identified in 23 of 58 proband chromosomes (frequency: 0.43) from individuals or families with hyperimmunoglobulinaemia D and periodic fever syndrome (HIDS) (Houten_1999_PMID:10369261; Cuisset_2001_PMID:11313769). The variant was also identified in dbSNP (ID: rs28934897), ClinVar (classified as pathogenic by Invitae, GeneDx and eight other laboratories) and LOVD 3.0 (classified as pathogenic and likely pathogenic). The variant was identified in control databases in 443 of 280790 chromosomes at a frequency of 0.001578 increasing the likelihood this could be a low frequency benign variant (Genome Aggregation Database Feb 27, 2017). The variant was observed in the following populations: European (non-Finnish) in 303 of 128360 chromosomes (freq: 0.002361), Latino in 50 of 35436 chromosomes (freq: 0.001411), European (Finnish) in 33 of 23962 chromosomes (freq: 0.001377), Other in 9 of 7198 chromosomes (freq: 0.00125), South Asian in 28 of 30616 chromosomes (freq: 0.000915), Ashkenazi Jewish in 8 of 10360 chromosomes (freq: 0.000772), African in 10 of 24932 chromosomes (freq: 0.000401), and East Asian in 2 of 19926 chromosomes (freq: 0.0001). The V325I variant occurs outside of the splicing consensus sequence and in silico or computational prediction software programs (SpliceSiteFinder, MaxEntScan, NNSPLICE, GeneSplicer) do not predict a difference in splicing. The p.Val325 residue is conserved in mammals but not in more distantly related organisms however four out of five computational analyses (PolyPhen-2, SIFT, AlignGVGD, BLOSUM) do not suggest a high likelihood of impact to the protein; this information is not predictive enough to rule out pathogenicity. However, functional studies expressing cDNA constructs containing the V325I variant in E. coli have demonstrated decreased mevalonate kinase (MK) protein activity compared to wildtype (Houten_1999_PMID:10369261). Decreased MK activity was also found in lymphocytes and fibroblasts from patients with the V325I variant (Houten_1999_PMID:10369261). In summary, based on the above information this variant meets our laboratoryâ€šÃ„Ã´s criteria to be classified as pathogenic.

Diagnostic Laboratory, Department of Genetics, University Medical Center Groningen
Classification: Pathogenic. Review status: no assertion criteria provided. Collection method: clinical testing. Allele origin: germline. Affected: yes. Study: VKGL Data-share Consensus. Not counted in ClinVar's aggregate classification.

Genome Diagnostics Laboratory, University Medical Center Utrecht
Classification: Pathogenic. Review status: no assertion criteria provided. Collection method: clinical testing. Allele origin: germline. Affected: yes. Study: VKGL Data-share Consensus. Not counted in ClinVar's aggregate classification.